The following is an entry in ClinVar:

NM_006785.4(MALT1):c.471A>T (p.Gln157His)

Gene: MALT1 (MALT1 paracaspase; plus strand). Cytogenetic location: 18q21.32.
Variant type: single nucleotide variant.
Coding change: c.471A>T on transcript NM_006785.4 (MANE Select); coding-DNA position 471, A replaced by T.
Protein change: p.Gln157His; replaces glutamine 157 with histidine.
Molecular consequence: missense variant.
Genome position (GRCh38, 1-based): chr18:58,696,460, A>T. VCF-style: chr18-58696460-A-T. GRCh37 (hg19) VCF-style: chr18-56363692-A-T.
Other names: c.471A>T, p.Gln157His (NM_173844.3); short protein forms Q157H.
Identifiers: ClinVar variation 972670 (VCV000972670.6), dbSNP rs566910582, ClinGen allele CA402572616.
Genomic context (GRCh38, chr18:58,696,460, plus strand): 5'-AGTCTTGGCTGGACAGTTTGTGAAACTGTGTTGCCGGGCAACTGGACATCCTTTTGTTCA[A>T]TATCAGTGGTTCAAAATGAATAAAGAGGTAATTTTTTAAATATATCTTTTAATTCTTCCA-3'
Protein context (NP_006776.1, residues 147-167): CCRATGHPFV[Gln157His]YQWFKMNKEI

ClinVar aggregate classification (germline): Uncertain significance (1 of 4 stars; one submission).

Conditions:
Combined immunodeficiency due to MALT1 deficiency. Also called: Immunodeficiency 12. Identifiers: Orphanet 397964, MedGen C3809583, MONDO:0014197, OMIM 615468.

Allele frequency attached by ClinVar (database versions not stated): gnomAD 0.00001; TOPMed 0.00002.

Submission:

Labcorp Genetics (formerly Invitae), Labcorp
Classification: Uncertain significance for Combined immunodeficiency due to MALT1 deficiency. Last evaluated: 2021-08-31. Review status: criteria provided, single submitter. Criteria: Invitae Variant Classification Sherloc (09022015). Collection method: clinical testing. Allele origin: germline.
Comment: This sequence change replaces glutamine with histidine at codon 157 of the MALT1 protein (p.Gln157His). The glutamine residue is moderately conserved and there is a small physicochemical difference between glutamine and histidine. This variant is not present in population databases (ExAC no frequency). This variant has not been reported in the literature in individuals affected with MALT1-related conditions. Algorithms developed to predict the effect of missense changes on protein structure and function (SIFT, PolyPhen-2, Align-GVGD) all suggest that this variant is likely to be tolerated. In summary, the available evidence is currently insufficient to determine the role of this variant in disease. Therefore, it has been classified as a Variant of Uncertain Significance.